The following is an entry in ClinVar:

ClinVar aggregate classification (germline): Benign/Likely benign. Review status: criteria provided, multiple submitters, no conflicts (2 of 4 stars). 7 submissions from 7 submitters: Benign (2); Likely benign (4). 1 of the submissions does not count toward it. Last evaluated 2026-01-29.

Conditions:
OTOG-related disorder. Also called: OTOG-related condition.

Allele frequency attached by ClinVar (database versions not stated): gnomAD 0.00287; TOPMed 0.00296; 1000 Genomes Project 0.00379; 1000 Genomes Project 30x 0.00437.
gnomAD v4.1: 741 of 1,550,332 alleles (0.048%); highest among the groups gnomAD compares: African/African-American, 0.92%; 4 homozygotes.

Submissions (7):

Labcorp Genetics (formerly Invitae), Labcorp
Classification: Benign. Last evaluated: 2026-01-29. Review status: criteria provided, single submitter. Criteria: Invitae Variant Classification Sherloc (09022015). Collection method: clinical testing. Allele origin: germline.

Blueprint Genetics
Classification: Likely benign. Last evaluated: 2024-11-01. Review status: criteria provided, single submitter. Criteria: ACMG Guidelines, 2015. Collection method: clinical testing. Allele origin: germline.

CeGaT Center for Human Genetics Tuebingen
Classification: Likely benign. Last evaluated: 2022-05-01. Review status: criteria provided, single submitter. Criteria: CeGaT Center For Human Genetics Tuebingen Variant Classification Criteria Version 2. Collection method: clinical testing. Allele origin: germline. Affected: yes. Observed: 2 variant alleles.
Comment: OTOG: BP4

GeneDx
Classification: Likely benign. Last evaluated: 2020-11-02. Review status: criteria provided, single submitter. Criteria: GeneDx Variant Classification Process June 2021. Collection method: clinical testing. Allele origin: germline. Affected: yes.

Eurofins Ntd Llc (ga)
Classification: Likely benign. Last evaluated: 2017-07-25. Review status: criteria provided, single submitter. Criteria: EGL Classification Definitions 2015. Collection method: clinical testing. Allele origin: germline. Observed: 1 variant allele, 1 heterozygote.

Laboratory for Molecular Medicine, Mass General Brigham Personalized Medicine
Classification: Benign. Last evaluated: 2017-01-25. Review status: criteria provided, single submitter. Criteria: LMM Criteria. Collection method: clinical testing. Allele origin: germline. Observed: 4 variant alleles.
Comment: p.Asp812Asn in exon 19 of OTOG: This variant is not expected to have clinical si gnificance because it has been identified in 1.0% (184/17160) of African chromos omes by the Genome Aggregation Database (gnomAD, g; dbSNP rs141010212).

PreventionGenetics, part of Exact Sciences
Classification: Benign for OTOG-related condition. Last evaluated: 2019-03-18. Review status: no assertion criteria provided. Collection method: clinical testing. Allele origin: germline. Not counted in ClinVar's aggregate classification.
Comment: This variant is classified as benign based on ACMG/AMP sequence variant interpretation guidelines (Richards et al. 2015 PMID: 25741868, with internal and published modifications).

NM_001292063.2(OTOG):c.2398G>A (p.Asp800Asn)

Gene: OTOG (otogelin; plus strand). Cytogenetic location: 11p15.1.
Variant type: single nucleotide variant.
Coding change: c.2398G>A on transcript NM_001292063.2 (MANE Select); coding-DNA position 2398, G replaced by A.
Protein change: p.Asp800Asn; replaces aspartic acid 800 with asparagine.
Molecular consequence: missense variant.
Genome position (GRCh38, 1-based): chr11:17,574,824, G>A. VCF-style: chr11-17574824-G-A. GRCh37 (hg19) VCF-style: chr11-17596371-G-A.
Other names: c.2434G>A, p.Asp812Asn (NM_001277269.2); short protein forms D812N, D800N.
Identifiers: ClinVar variation 227768 (VCV000227768.44), dbSNP rs141010212, ClinGen allele CA5905619.
Genomic context (GRCh38, chr11:17,574,824, plus strand): 5'-CCGTGTGGACGTACCTGCCAGGACCTGGCCAGCCCTGAGGCCTGTGGGGTTGATGGTGGC[G>A]ATGACCTGAGCAGAGACGAGTGTGTGGAGGGCTGTGCCTGCCCACCGGACACCTATCTGG-3'
Protein context (NP_001278992.1, residues 790-810): SPEACGVDGG[Asp800Asn]DLSRDECVEG